The following is an entry in ClinVar:

ClinVar aggregate classification (germline): Uncertain significance. Review status: reviewed by expert panel (3 of 4 stars). 15 submissions from 15 submitters: Uncertain significance (1). 14 of the submissions do not count toward it. Last evaluated 2025-06-26.

Conditions:
Glycogen storage disease, type II (IOPD). Also called: CARDIOMEGALIA GLYCOGENICA DIFFUSA; GLYCOGENOSIS, GENERALIZED, CARDIAC FORM; GSD II; POMPE DISEASE, INFANTILE-ONSET; GLYCOGEN STORAGE DISEASE II, INFANTILE-ONSET; ACID ALPHA-GLUCOSIDASE DEFICIENCY, INFANTILE-ONSET. Identifiers: Orphanet 365, MedGen C0017921, MONDO:0009290, OMIM 232300.

Allele frequency attached by ClinVar (database versions not stated): ExAC 0.00002; gnomAD exomes 0.00003 and 0.00004; gnomAD 0.00004 and 0.00005; TOPMed 0.00006; ESP Exome Variant Server 0.00008.
gnomAD v4.1: 62 of 1,612,550 alleles (0.0038%); highest among the groups gnomAD compares: Middle Eastern, 0.12%; 1 homozygote.

Submissions (15):

ClinGen Lysosomal Storage Disorder Variant Curation Expert Panel
Classification: Uncertain significance for Glycogen storage disease, type II. Last evaluated: 2025-06-26. Review status: reviewed by expert panel. Criteria: clingen_lsd_acmg_specifications_v2-1. Collection method: curation. Allele origin: germline. Inheritance: Autosomal recessive inheritance.
Comment: The NM_000152.5:GAA:c.1828G>A variant in GAA is a missense variant predicted to cause substitution of Ala by Thr at amino acid 610 (p.Ala610Thr). Two patients with this variant have been reported in the literature (PMID: 32504392, 35775064). However, because the diagnosis of Pompe disease was unclear for both patients, neither PP4 nor PM3 was applied. Because her symptoms, which included bradycardia, poor suckling, respiratory distress, respiratory failure, subglottic stenosis, and tachypnea, could be related to congenital myasthenia syndrome and not Pompe disease, and GAA activity was unavailable, this data was not used as evidence to support pathogenicity of the variant. Another individual was reported to be compound heterozygous for c.1828G>A and c.1966-1968del, but clinical information regarding the presence or absence of clinical symptoms of Pompe disease, and GAA activity was unavailable. The highest population minor allele frequency in gnomAD v4.1.0. is 0.0000439 (4/91034 alleles) in the South Asian population, which is lower than the ClinGen LD VCEP’s threshold for PM2_Supporting (<0.001), meeting this criterion (PM2_Supporting). The computational predictor REVEL gives a score of 0.641 which is neither above nor below the thresholds predicting a damaging (>0.7) or benign (<0.5) impact on GAA function (neither PP3 nor BP4 is met), and the computational splicing predictor SpliceAI gives a score of 0.00 for donor/acceptor loss suggesting that the variant has no impact on splicing. Another missense variant c.1829C>T (p.Ala610Val) in the same codon has been reported (PMID: 21484825, 17643989). However, this variant has not yet met the criteria to be classified as pathogenic or likely pathogenic by the ClinGen LSD VCEP (PM5 not met). There is a ClinVar entry for this variant (Variation ID: 282242). In summary, this variant meets the criteria to be classified as uncertain significance for Pompe disease based on the GAA-specific ACMG/AMP criteria applied, as specified by the ClinGen Lysosomal Storage Disorders Variant Curation Expert panel (Specifications Version 2.0.0): PM2_Supporting. (Classification approved by the ClinGen Lysosomal Diseases Variant Curation Expert Panel on June 26, 2025).

Genomenon, Inc
Classification: Uncertain significance for Glycogen storage disease, type II. Last evaluated: 2026-07-01. Review status: criteria provided, single submitter. Criteria: Genomenon Sequence Variant Interpretation Standards - Updated. Collection method: curation. Allele origin: germline. Not counted in ClinVar's aggregate classification.
Comment: GAA p.Ala610Thr (c.1828G>A) is a missense variant that changes the amino acid at codon 610 from Alanine to Threonine. This variant has been reported in the compound heterozygous and/or homozygous state in at least one individual without a confirmed diagnosis of Pompe disease (PMID:35775064). It is absent or not present at a significant frequency in gnomAD. In conclusion, we classify GAA p.Ala610Thr (c.1828G>A) as a variant of uncertain significance.

Labcorp Genetics (formerly Invitae), Labcorp
Classification: Uncertain significance for Glycogen storage disease, type II. Last evaluated: 2026-01-26. Review status: criteria provided, single submitter. Criteria: Invitae Variant Classification Sherloc (09022015). Collection method: clinical testing. Allele origin: germline. Not counted in ClinVar's aggregate classification.
Comment: This sequence change replaces alanine, which is neutral and non-polar, with threonine, which is neutral and polar, at codon 610 of the GAA protein (p.Ala610Thr). This variant is present in population databases (rs144731405, gnomAD 0.006%). This missense change has been observed in individual(s) with clinical features of Pompe disease (PMID: 35775064, 37510298, 39678382). ClinVar contains an entry for this variant (Variation ID: 282242). Invitae Evidence Modeling of protein sequence and biophysical properties (such as structural, functional, and spatial information, amino acid conservation, physicochemical variation, residue mobility, and thermodynamic stability) has been performed for this missense variant. However, the output from this modeling did not meet the statistical confidence thresholds required to predict the impact of this variant on GAA protein function. In summary, the available evidence is currently insufficient to determine the role of this variant in disease. Therefore, it has been classified as a Variant of Uncertain Significance.

Mayo Clinic Laboratories, Mayo Clinic
Classification: Uncertain significance. Last evaluated: 2025-09-23. Review status: criteria provided, single submitter. Criteria: ACMG Guidelines, 2015. Collection method: clinical testing. Allele origin: germline. Observed: 2 variant alleles. Not counted in ClinVar's aggregate classification.
Comment: PM2_supporting, PM5

Revvity Omics, Revvity
Classification: Uncertain significance. Last evaluated: 2024-08-28. Review status: criteria provided, single submitter. Criteria: ACMG Guidelines, 2015. Collection method: clinical testing. Allele origin: germline. Not counted in ClinVar's aggregate classification.

Blueprint Genetics
Classification: Uncertain significance. Last evaluated: 2024-08-15. Review status: criteria provided, single submitter. Criteria: ACMG Guidelines, 2015. Collection method: clinical testing. Allele origin: germline. Not counted in ClinVar's aggregate classification.

ARUP Laboratories, Molecular Genetics and Genomics, ARUP Laboratories
Classification: Uncertain significance for Glycogen storage disease, type II. Last evaluated: 2024-07-14. Review status: criteria provided, single submitter. Criteria: ARUP Molecular Germline Variant Investigation Process 2024. Collection method: clinical testing. Allele origin: germline. Not counted in ClinVar's aggregate classification.
Comment: The GAA c.1828G>A; p.Ala610Thr variant (rs144731405, ClinVar Variation ID: 282242) is reported in the literature in one individual affected with suspicion of Pompe disease; however that patient also carries transheterozygous pathogenic variation in the COLQ gene association with congenital myasthenic syndrome 5 (Al-Sharif 2022). Due to significant phenotypic overlap between congenital myasthenic syndrome and glycogen storage disease II, the contribution of the GAA p.Ala610Thr variant to the presentation in that patient is not predictable without function data on GAA activity (not performed). This variant is only observed on seven alleles in the Genome Aggregation Database (v2.1.1), indicating it is not a common polymorphism. Computational analyses are uncertain whether this variant is neutral or deleterious (REVEL: 0.641). Due to limited information, the clinical significance of this variant is uncertain at this time. References Al-Sharif F et al. Co-occurrence of Glycogen Storage Disease Type 2 and Congenital Myasthenic Syndrome Type 5 in a Pediatric Patient: A Case Report. Cureus. 2022 Jun 26;14(6):e26345. PMID: 35775064

Genomic Medicine Center of Excellence, King Faisal Specialist Hospital and Research Centre
Classification: Uncertain significance for Glycogen storage disease, type II. Last evaluated: 2024-03-29. Review status: criteria provided, single submitter. Criteria: ACMG Guidelines, 2015. Collection method: clinical testing. Allele origin: germline. Not counted in ClinVar's aggregate classification.

Lildballe Lab, Aarhus University Hospital
Classification: Likely pathogenic for Glycogen storage disease II. Last evaluated: 2024-03-01. Review status: criteria provided, single submitter. Criteria: ACMG Guidelines, 2015. Collection method: research. Allele origin: germline. Affected: no. Not counted in ClinVar's aggregate classification.
Comment: PM1(m), PM2(sup), PM5(m), PP3(sup)

Fulgent Genetics
Classification: Uncertain significance for Glycogen storage disease, type II. Last evaluated: 2021-08-02. Review status: criteria provided, single submitter. Criteria: ACMG Guidelines, 2015. Collection method: clinical testing. Allele origin: unknown. Not counted in ClinVar's aggregate classification.

Genome-Nilou Lab
Classification: Uncertain significance for Glycogen storage disease, type II. Last evaluated: 2021-07-14. Review status: criteria provided, single submitter. Criteria: ACMG Guidelines, 2015. Collection method: clinical testing. Allele origin: germline. Affected: no. Not counted in ClinVar's aggregate classification.

Eurofins Ntd Llc (ga)
Classification: Uncertain significance. Last evaluated: 2018-07-30. Review status: criteria provided, single submitter. Criteria: EGL ClinVar v180209 classification definitions. Collection method: clinical testing. Allele origin: germline. Observed: 2 variant alleles, 2 heterozygotes. Not counted in ClinVar's aggregate classification.

Illumina Laboratory Services, Illumina
Classification: Uncertain significance for Glycogen storage disease, type II. Last evaluated: 2017-04-27. Review status: criteria provided, single submitter. Criteria: ICSL Variant Classification Criteria 13 December 2019. Collection method: clinical testing. Allele origin: germline. Not counted in ClinVar's aggregate classification.
Comment: This variant was observed as part of a predisposition screen in an ostensibly healthy population. A literature search was performed for the gene, cDNA change, and amino acid change (where applicable). Publications were found based on this search. However, the evidence from the literature, in combination with allele frequency data from public databases where available, was not sufficient to rule this variant in or out of causing disease. Therefore, this variant is classified as a variant of unknown significance.

Biochemical Molecular Genetic Laboratory, King Abdulaziz Medical City
Classification: Pathogenic for Glycogen storage disease, type II. Last evaluated: 2020-10-11. Review status: no assertion criteria provided. Collection method: clinical testing. Allele origin: germline. Affected: yes. Not counted in ClinVar's aggregate classification.

Natera, Inc.
Classification: Uncertain significance for Glycogen storage disease type II. Last evaluated: 2020-09-16. Review status: no assertion criteria provided. Collection method: clinical testing. Allele origin: germline. Not counted in ClinVar's aggregate classification.

Literature cited by the submitters: PubMed 35775064 (cited by 3 submitters); PubMed 37510298 (cited by Labcorp Genetics (formerly Invitae), Labcorp); PubMed 39678382 (cited by Labcorp Genetics (formerly Invitae), Labcorp and Mayo Clinic Laboratories, Mayo Clinic); PubMed 17643989 (cited by Mayo Clinic Laboratories, Mayo Clinic); PubMed 21484825 (cited by Mayo Clinic Laboratories, Mayo Clinic); PubMed 27189384 (cited by Mayo Clinic Laboratories, Mayo Clinic); PubMed 30281819 (cited by Mayo Clinic Laboratories, Mayo Clinic); PubMed 31545528 (cited by Mayo Clinic Laboratories, Mayo Clinic); PubMed 32504392 (cited by Mayo Clinic Laboratories, Mayo Clinic); PubMed 37895316 (cited by Mayo Clinic Laboratories, Mayo Clinic); PubMed 25741876 (cited by Lildballe Lab, Aarhus University Hospital); PubMed 39481677 (cited by Lildballe Lab, Aarhus University Hospital); PubMed 14695532 (cited by Illumina Laboratory Services, Illumina); PubMed 11071489 (cited by Illumina Laboratory Services, Illumina).

NM_000152.5(GAA):c.1828G>A (p.Ala610Thr)

Gene: GAA (alpha glucosidase; plus strand). Cytogenetic location: 17q25.3.
Variant type: single nucleotide variant.
Coding change: c.1828G>A on transcript NM_000152.5 (MANE Select); coding-DNA position 1828, G replaced by A.
Protein change: p.Ala610Thr; replaces alanine 610 with threonine.
Molecular consequence: missense variant.
Genome position (GRCh38, 1-based): chr17:80,112,651, G>A. VCF-style: chr17-80112651-G-A. GRCh37 (hg19) VCF-style: chr17-78086450-G-A.
Other names: NM_000152.5(GAA):c.1828G>A; p.Ala610Thr; c.1828G>A (LRG_673t1); c.1828G>A, p.Ala610Thr (NM_001079803.3, NM_001079804.3); short protein forms A610T.
Identifiers: ClinVar variation 282242 (VCV000282242.27), dbSNP rs144731405, ClinGen allele CA8815492.